The following is an entry in ClinVar:

NM_002017.5(FLI1):c.97G>A (p.Asp33Asn)

Gene: FLI1 (Fli-1 proto-oncogene, ETS transcription factor; plus strand). Cytogenetic location: 11q24.3.
Variant type: single nucleotide variant.
Coding change: c.97G>A on transcript NM_002017.5 (MANE Select); coding-DNA position 97, G replaced by A.
Protein change: p.Asp33Asn; replaces aspartic acid 33 with asparagine.
Molecular consequence: missense variant. On other transcripts: 5 prime UTR variant (3).
Genome position (GRCh38, 1-based): chr11:128,758,193, G>A. VCF-style: chr11-128758193-G-A. GRCh37 (hg19) VCF-style: chr11-128628088-G-A.
Other names: c.97G>A (NM_002017.4); c.-3G>A (NM_001167681.3); c.-273G>A (NM_001271010.2); c.-124G>A (NM_001271012.2); short protein forms D33N.
Identifiers: ClinVar variation 2038317 (VCV002038317.5), dbSNP rs778290469, ClinGen allele CA6356935.
Genomic context (GRCh38, chr11:128,758,193, plus strand): 5'-AGCGACGACCAGTCCCTCTTTGACTCAGCGTACGGAGCGGCAGCCCATCTCCCCAAGGCC[G>A]ACATGACTGCCTCGGGGAGTCCTGACTACGGGCAGCCCCACAAGATCAACCCCCTCCCAC-3'
Protein context (NP_002008.2, residues 23-43): YGAAAHLPKA[Asp33Asn]MTASGSPDYG

ClinVar aggregate classification (germline): Uncertain significance. Review status: criteria provided, single submitter (1 of 4 stars). 2 submissions from 2 submitters: Uncertain significance (1). 1 of the submissions does not count toward it. Last evaluated 2024-04-25.

Conditions:
FLI1-related disorder. Also called: FLI1-related condition.

Allele frequency attached by ClinVar (database versions not stated): ExAC 0.00002; gnomAD 0.00002; gnomAD exomes 0.00002; TOPMed 0.00003.

Submissions (2):

Labcorp Genetics (formerly Invitae), Labcorp
Classification: Uncertain significance. Last evaluated: 2024-04-25. Review status: criteria provided, single submitter. Criteria: Invitae Variant Classification Sherloc (09022015). Collection method: clinical testing. Allele origin: germline.
Comment: This sequence change replaces aspartic acid, which is acidic and polar, with asparagine, which is neutral and polar, at codon 33 of the FLI1 protein (p.Asp33Asn). The frequency data for this variant in the population databases is considered unreliable, as metrics indicate poor data quality at this position in the gnomAD database. This variant has not been reported in the literature in individuals affected with FLI1-related conditions. ClinVar contains an entry for this variant (Variation ID: 2038317). Advanced modeling of protein sequence and biophysical properties (such as structural, functional, and spatial information, amino acid conservation, physicochemical variation, residue mobility, and thermodynamic stability) performed at Invitae indicates that this missense variant is not expected to disrupt FLI1 protein function with a negative predictive value of 80%. In summary, the available evidence is currently insufficient to determine the role of this variant in disease. Therefore, it has been classified as a Variant of Uncertain Significance.

PreventionGenetics, part of Exact Sciences
Classification: Uncertain significance for FLI1-related condition. Last evaluated: 2024-06-17. Review status: no assertion criteria provided. Collection method: clinical testing. Allele origin: germline. Not counted in ClinVar's aggregate classification.
Comment: The FLI1 c.97G>A variant is predicted to result in the amino acid substitution p.Asp33Asn. To our knowledge, this variant has not been reported in the literature. This variant is reported in 0.0042% of alleles in individuals of African descent in gnomAD. At this time, the clinical significance of this variant is uncertain due to the absence of conclusive functional and genetic evidence.